The following is an entry in ClinVar:

ClinVar aggregate classification (germline): Uncertain significance (1 of 4 stars; one submission).

Submission:

Labcorp Genetics (formerly Invitae), Labcorp
Classification: Uncertain significance. Last evaluated: 2025-09-28. Review status: criteria provided, single submitter. Criteria: Invitae Variant Classification Sherloc (09022015). Collection method: clinical testing. Allele origin: germline.
Comment: This sequence change replaces glycine, which is neutral and non-polar, with arginine, which is basic and polar, at codon 1182 of the ALPK3 protein (p.Gly1182Arg). This variant is not present in population databases (gnomAD no frequency). This variant has not been reported in the literature in individuals affected with ALPK3-related conditions. Invitae Evidence Modeling of protein sequence and biophysical properties (such as structural, functional, and spatial information, amino acid conservation, physicochemical variation, residue mobility, and thermodynamic stability) indicates that this missense variant is not expected to disrupt ALPK3 protein function with a negative predictive value of 80%. In summary, the available evidence is currently insufficient to determine the role of this variant in disease. Therefore, it has been classified as a Variant of Uncertain Significance.

NM_020778.5(ALPK3):c.2938G>C (p.Gly980Arg)

Gene: ALPK3 (alpha kinase 3; plus strand). Cytogenetic location: 15q25.3.
Variant type: single nucleotide variant.
Coding change: c.2938G>C on transcript NM_020778.5 (MANE Select); coding-DNA position 2938, G replaced by C.
Protein change: p.Gly980Arg; replaces glycine 980 with arginine.
Molecular consequence: missense variant.
Genome position (GRCh38, 1-based): chr15:84,857,676, G>C. VCF-style: chr15-84857676-G-C. GRCh37 (hg19) VCF-style: chr15-85400907-G-C.
Other names: short protein forms G980R.
Identifiers: ClinVar variation 4740607 (VCV004740607.1).